The following is an entry in ClinVar:

NM_000138.5(FBN1):c.5066-282A>G

Gene: FBN1 (fibrillin 1; minus strand). Cytogenetic location: 15q21.1.
Variant type: single nucleotide variant.
Coding change: c.5066-282A>G on transcript NM_000138.5 (MANE Select); 282 bases into the intron before coding-DNA position 5066, A replaced by G.
Molecular consequence: intron variant.
Genome position (GRCh38, 1-based): chr15:48,463,522, T>C on the plus strand (A>G on the coding strand, the complement: FBN1 is on the minus strand). VCF-style: chr15-48463522-T-C. GRCh37 (hg19) VCF-style: chr15-48755719-T-C.
Identifiers: ClinVar variation 680581 (VCV000680581.1), dbSNP rs55681494, ClinGen allele CA14100198.

ClinVar aggregate classification (germline): Benign (1 of 4 stars; one submission).

Allele frequency attached by ClinVar (database versions not stated): 1000 Genomes Project 0.02077; 1000 Genomes Project 30x 0.02186; gnomAD 0.04725 and 0.04758; TOPMed 0.04741.
gnomAD v4.1: 7,197 of 152,304 alleles (4.7%); highest among the groups gnomAD compares: Middle Eastern, 9.5%; 229 homozygotes.

Submission:

GeneDx
Classification: Benign. Last evaluated: 2018-06-14. Review status: criteria provided, single submitter. Criteria: GeneDx Variant Classification (06012015). Collection method: clinical testing. Allele origin: germline. Affected: yes.
Comment: This variant is considered likely benign or benign based on one or more of the following criteria: it is a conservative change, it occurs at a poorly conserved position in the protein, it is predicted to be benign by multiple in silico algorithms, and/or has population frequency not consistent with disease.